The following is an entry in ClinVar:

NM_004655.4(AXIN2):c.1796C>T (p.Ala599Val)

Gene: AXIN2 (axin 2; minus strand). Cytogenetic location: 17q24.1.
Variant type: single nucleotide variant.
Coding change: c.1796C>T on transcript NM_004655.4 (MANE Select); coding-DNA position 1796, C replaced by T.
Protein change: p.Ala599Val; replaces alanine 599 with valine.
Molecular consequence: missense variant. On other transcripts: intron variant (1).
Genome position (GRCh38, 1-based): chr17:65,536,980, G>A on the plus strand (C>T on the coding strand, the complement: AXIN2 is on the minus strand). VCF-style: chr17-65536980-G-A. GRCh37 (hg19) VCF-style: chr17-63533098-G-A.
Other names: c.1712+344C>T (NM_001363813.1); short protein forms A599V.
Identifiers: ClinVar variation 3621844 (VCV003621844.3).

ClinVar aggregate classification (germline): Conflicting classifications of pathogenicity. Review status: criteria provided, conflicting classifications (1 of 4 stars). 2 submissions from 2 submitters: Uncertain significance (1); Likely benign (1). Last evaluated 2025-01-16.

Conditions:
Oligodontia-cancer predisposition syndrome. Also called: TOOTH AGENESIS-COLORECTAL CANCER SYNDROME. Identifiers: Orphanet 300576, MedGen C1837750, MONDO:0012075, OMIM 608615. Disease mechanism: loss of function.
Hereditary cancer-predisposing syndrome. Also called: Tumor predisposition; Hereditary neoplastic syndrome; Neoplastic Syndromes, Hereditary; Hereditary Cancer Syndrome. Identifiers: Orphanet 140162, MedGen C0027672, MeSH D009386, MONDO:0015356.

gnomAD v4.1: 1 of 1,612,816 alleles (0.000062%); highest among the groups gnomAD compares: Middle Eastern, 0.018%; no homozygotes.

Submissions (2):

Ambry Genetics
Classification: Likely benign for Hereditary cancer-predisposing syndrome. Last evaluated: 2025-01-16. Review status: criteria provided, single submitter. Criteria: Ambry Variant Classification Scheme 2023. Collection method: clinical testing. Allele origin: germline.

Labcorp Genetics (formerly Invitae), Labcorp
Classification: Uncertain significance for Oligodontia-cancer predisposition syndrome. Last evaluated: 2024-03-18. Review status: criteria provided, single submitter. Criteria: Invitae Variant Classification Sherloc (09022015). Collection method: clinical testing. Allele origin: germline.
Comment: This sequence change replaces alanine, which is neutral and non-polar, with valine, which is neutral and non-polar, at codon 599 of the AXIN2 protein (p.Ala599Val). This variant is present in population databases (no rsID available, gnomAD 0.0009%). This variant has not been reported in the literature in individuals affected with AXIN2-related conditions. Algorithms developed to predict the effect of missense changes on protein structure and function output the following: SIFT: "Not Available"; PolyPhen-2: "Benign"; Align-GVGD: "Not Available". The valine amino acid residue is found in multiple mammalian species, which suggests that this missense change does not adversely affect protein function. In summary, the available evidence is currently insufficient to determine the role of this variant in disease. Therefore, it has been classified as a Variant of Uncertain Significance.